The following is an entry in ClinVar:

NM_002880.4(RAF1):c.327dup (p.Ala110fs)

Gene: RAF1 (Raf-1 proto-oncogene, serine/threonine kinase; minus strand). Cytogenetic location: 3p25.2.
Variant type: Duplication.
Coding change: c.327dup on transcript NM_002880.4 (MANE Select); coding-DNA position 327, one base duplicated (A; older notation c.327dupA).
Protein change: p.Ala110fs; shifts the reading frame from alanine 110.
Molecular consequence: frameshift variant. On other transcripts: non-coding transcript variant (3).
Genome position (GRCh38, 1-based): chr3:12,609,329, T duplicated on the plus strand (A on the coding strand, the reverse complement: RAF1 is on the minus strand); the first of 6 consecutive T bases (chr3:12,609,329-12,609,334); duplicating any one gives the same sequence. VCF-style (leftmost placement, unchanged base first): chr3-12609328-C-CT. GRCh37 (hg19) VCF-style: chr3-12650827-C-CT.
Other names: c.327dup, p.Ala110fs (NM_001354689.3, NM_001354690.3, NM_001354693.3); c.84dup, p.Ala29fs (NM_001354691.3, NM_001354692.3, NM_001354694.3 and 1 more transcripts); short protein forms A110fs, A29fs.
Identifiers: ClinVar variation 933555 (VCV000933555.8), dbSNP rs1418886913, ClinGen allele CA1139657885.
Genomic context (GRCh38, chr3:12,609,328, plus strand): 5'-AATCTACTTGAAGTTCTTCTCCAATCAAAGACGCAGCATCAGTATTCCAATCTAAGCGTG[C>CT]TTTTTTACTAGAAAGGATTTAAAAAAAACATGAAATGTTTAAACAAGATCAAAGTTCAAT-3'

ClinVar aggregate classification (germline): Uncertain significance. Review status: criteria provided, multiple submitters, no conflicts (2 of 4 stars). 2 submissions from 2 submitters: Uncertain significance (2). Last evaluated 2024-03-14.

Conditions:
RASopathy. Also called: Noonan spectrum disorder; rasopathies. Identifiers: Orphanet 536391, MedGen C5555857, MONDO:0021060.

Submissions (2):

Blueprint Genetics
Classification: Uncertain significance. Last evaluated: 2024-03-14. Review status: criteria provided, single submitter. Criteria: ACMG Guidelines, 2015. Collection method: clinical testing. Allele origin: germline.

Labcorp Genetics (formerly Invitae), Labcorp
Classification: Uncertain significance for RASopathy. Last evaluated: 2019-05-26. Review status: criteria provided, single submitter. Criteria: Invitae Variant Classification Sherloc (09022015). Collection method: clinical testing. Allele origin: germline.
Comment: In summary, the available evidence is currently insufficient to determine the role of this variant in disease. Therefore, it has been classified as a Variant of Uncertain Significance. The current clinical and genetic evidence is not sufficient to establish whether loss-of-function variants in RAF1 cause disease. This variant has not been reported in the literature in individuals with RAF1-related conditions. This variant is not present in population databases (ExAC no frequency). This sequence change creates a premature translational stop signal (p.Ala110Serfs*8) in the RAF1 gene. It is expected to result in an absent or disrupted protein product.